The following is an entry in ClinVar:

NM_000089.4(COL1A2):c.1214G>A (p.Arg405His)

Gene: COL1A2 (collagen type I alpha 2 chain; plus strand). Cytogenetic location: 7q21.3.
Variant type: single nucleotide variant.
Coding change: c.1214G>A on transcript NM_000089.4 (MANE Select); coding-DNA position 1214, G replaced by A.
Protein change: p.Arg405His; replaces arginine 405 with histidine.
Molecular consequence: missense variant.
Genome position (GRCh38, 1-based): chr7:94,410,905, G>A. VCF-style: chr7-94410905-G-A. GRCh37 (hg19) VCF-style: chr7-94040217-G-A.
Other names: short protein forms R405H.
Identifiers: ClinVar variation 1425859 (VCV001425859.12), dbSNP rs368702549, ClinGen allele CA4346958.

ClinVar aggregate classification (germline): Uncertain significance. Review status: criteria provided, multiple submitters, no conflicts (2 of 4 stars). 3 submissions from 3 submitters: Uncertain significance (3). Last evaluated 2024-07-23.

Conditions:
Cardiovascular phenotype. Identifiers: MedGen CN230736.
Ehlers-Danlos syndrome, classic type, 1 (EDSCL1). Also called: EHLERS-DANLOS SYNDROME, GRAVIS TYPE; EHLERS-DANLOS SYNDROME, SEVERE CLASSIC TYPE; Ehlers-Danlos syndrome, type 1; Ehlers-Danlos Syndrome, Classic Type, COL5A1-Related; EDS I. Identifiers: MedGen C0268335, MONDO:0019567, OMIM 130000.
Osteogenesis imperfecta type I (OI1). Also called: OI, TYPE I; OSTEOGENESIS IMPERFECTA TARDA; OSTEOGENESIS IMPERFECTA WITH BLUE SCLERAE; Osteogenesis imperfecta type 1; Lobstein's Disease; Lobstein disease. Identifiers: Orphanet 216796, Orphanet 666, MedGen C0023931, MONDO:0008146, OMIM 166200. Disease mechanism: loss of function.

Allele frequency attached by ClinVar (database versions not stated): ExAC 0.00002; gnomAD exomes 0.00001; TOPMed 0.00001; ESP Exome Variant Server 0.00008.

Submissions (3):

Labcorp Genetics (formerly Invitae), Labcorp
Classification: Uncertain significance for Osteogenesis imperfecta type I; Ehlers-Danlos syndrome, classic type, 1. Last evaluated: 2024-07-23. Review status: criteria provided, single submitter. Criteria: Invitae Variant Classification Sherloc (09022015). Collection method: clinical testing. Allele origin: germline.
Comment: This sequence change replaces arginine, which is basic and polar, with histidine, which is basic and polar, at codon 405 of the COL1A2 protein (p.Arg405His). This variant is present in population databases (rs368702549, gnomAD 0.002%). This variant has not been reported in the literature in individuals affected with COL1A2-related conditions. ClinVar contains an entry for this variant (Variation ID: 1425859). Advanced modeling of protein sequence and biophysical properties (such as structural, functional, and spatial information, amino acid conservation, physicochemical variation, residue mobility, and thermodynamic stability) performed at Invitae indicates that this missense variant is expected to disrupt COL1A2 protein function with a positive predictive value of 95%. In summary, the available evidence is currently insufficient to determine the role of this variant in disease. Therefore, it has been classified as a Variant of Uncertain Significance.

GeneDx
Classification: Uncertain significance. Last evaluated: 2023-03-29. Review status: criteria provided, single submitter. Criteria: GeneDx Variant Classification Process June 2021. Collection method: clinical testing. Allele origin: germline. Affected: yes.
Comment: Occurs in the triple helical domain at the Y position in the canonical Gly-X-Y repeat; although this variant may have an effect on normal protein folding and function, missense substitution at the Y position is not a common mechanism of disease (HGMD); In silico analysis supports that this missense variant has a deleterious effect on protein structure/function; Has not been previously published as pathogenic or benign to our knowledge

Ambry Genetics
Classification: Uncertain significance for Cardiovascular phenotype. Last evaluated: 2020-04-22. Review status: criteria provided, single submitter. Criteria: Ambry Variant Classification Scheme 2023. Collection method: clinical testing. Allele origin: germline.
Comment: The p.R405H variant (also known as c.1214G>A), located in coding exon 22 of the COL1A2 gene, results from a G to A substitution at nucleotide position 1214. The arginine at codon 405 is replaced by histidine, an amino acid with highly similar properties. This amino acid position is highly conserved in available vertebrate species. In addition, this alteration is predicted to be deleterious by in silico analysis. Since supporting evidence is limited at this time, the clinical significance of this alteration remains unclear.